The following is an entry in ClinVar:

ClinVar aggregate classification (germline): Benign. Review status: criteria provided, multiple submitters, no conflicts (2 of 4 stars). 9 submissions from 9 submitters: Benign (6). 3 of the submissions do not count toward it. Last evaluated 2026-02-04.

Conditions:
Usher syndrome type 2C. Also called: USHER SYNDROME, TYPE IIC; Usher syndrome, type 2B. Identifiers: Orphanet 231178, Orphanet 886, MedGen C2931213, MONDO:0011558, OMIM 605472.

Allele frequency attached by ClinVar (database versions not stated): gnomAD exomes 0.02649 and 0.01146; gnomAD 0.04236 and 0.04185; ESP Exome Variant Server 0.03879; TOPMed 0.04685; 1000 Genomes Project 30x 0.07370; ExAC 0.05423; 1000 Genomes Project 0.07388.
gnomAD v4.1: 23,006 of 1,552,142 alleles (1.5%); highest among the groups gnomAD compares: African/African-American, 13%; 1,108 homozygotes.

Submissions (19):

Labcorp Genetics (formerly Invitae), Labcorp
Classification: Benign. Last evaluated: 2026-02-04. Review status: criteria provided, single submitter. Criteria: Invitae Variant Classification Sherloc (09022015). Collection method: clinical testing. Allele origin: germline.

ARUP Laboratories, Molecular Genetics and Genomics, ARUP Laboratories
Classification: Benign. Last evaluated: 2023-11-28. Review status: criteria provided, single submitter. Criteria: ARUP Molecular Germline Variant Investigation Process 2024. Collection method: clinical testing. Allele origin: germline.

Illumina Laboratory Services, Illumina
Classification: Benign for Usher syndrome type 2C. Last evaluated: 2018-01-12. Review status: criteria provided, single submitter. Criteria: ICSL Variant Classification Criteria 13 December 2019. Collection method: clinical testing. Allele origin: germline.
Comment: This variant was observed in the ICSL laboratory as part of a predisposition screen in an ostensibly healthy population. It had not been previously curated by ICSL or reported in the Human Gene Mutation Database (HGMD: prior to June 1st, 2018), and was therefore a candidate for classification through an automated scoring system. Utilizing variant allele frequency, disease prevalence and penetrance estimates, and inheritance mode, an automated score was calculated to assess if this variant is too frequent to cause the disease. Based on the score and internal cut-off values, a variant classified as benign is not then subjected to further curation. The score for this variant resulted in a classification of benign for this disease.

GeneDx
Classification: Benign. Last evaluated: 2015-07-02. Review status: criteria provided, single submitter. Criteria: GeneDx Variant Classification (06012015). Collection method: clinical testing. Allele origin: germline. Affected: yes.
Comment: This variant is considered likely benign or benign based on one or more of the following criteria: it is a conservative change, it occurs at a poorly conserved position in the protein, it is predicted to be benign by multiple in silico algorithms, and/or has population frequency not consistent with disease.

Eurofins Ntd Llc (ga)
Classification: Benign. Last evaluated: 2015-05-15. Review status: criteria provided, single submitter. Criteria: EGL Classification Definitions 2015. Collection method: clinical testing. Allele origin: germline.

Laboratory for Molecular Medicine, Mass General Brigham Personalized Medicine
Classification: Benign. Last evaluated: 2012-04-27. Review status: criteria provided, single submitter. Criteria: LMM Criteria. Collection method: clinical testing. Allele origin: germline. Observed: 76 variant alleles.
Comment: Met6159Val in exon 88 of GPR98: This variant is not expected to have clinical si gnificance because it has been identified in 11% (347/3046) of African American chromosomes from a broad population by the NHLBI Exome sequencing project (dbSNP rs77469944).

Dr. Peter K. Rogan Lab, Western University
No classification provided (evidence only). Condition: Colon adenocarcinoma. Review status: no classification provided. Collection method: in vitro. Allele origin: not applicable. Functional consequence: retained intron. Not counted in ClinVar's aggregate classification.

Dr. Peter K. Rogan Lab, Western University
No classification provided (evidence only). Condition: Colon adenocarcinoma. Review status: no classification provided. Collection method: in vitro. Allele origin: not applicable. Functional consequence: retained intron. Not counted in ClinVar's aggregate classification.

Dr. Peter K. Rogan Lab, Western University
No classification provided (evidence only). Condition: Cervical cancer. Review status: no classification provided. Collection method: in vitro. Allele origin: not applicable. Functional consequence: retained intron. Not counted in ClinVar's aggregate classification.

Dr. Peter K. Rogan Lab, Western University
No classification provided (evidence only). Condition: Cervical cancer. Review status: no classification provided. Collection method: in vitro. Allele origin: not applicable. Functional consequence: retained intron. Not counted in ClinVar's aggregate classification.

Dr. Peter K. Rogan Lab, Western University
No classification provided (evidence only). Condition: Cholangiocarcinoma. Review status: no classification provided. Collection method: in vitro. Allele origin: not applicable. Functional consequence: skipped exon, retained intron. Not counted in ClinVar's aggregate classification.

Dr. Peter K. Rogan Lab, Western University
No classification provided (evidence only). Condition: Gastric cancer. Review status: no classification provided. Collection method: in vitro. Allele origin: not applicable. Functional consequence: retained intron. Not counted in ClinVar's aggregate classification.

Dr. Peter K. Rogan Lab, Western University
No classification provided (evidence only). Condition: Gastric cancer. Review status: no classification provided. Collection method: in vitro. Allele origin: not applicable. Functional consequence: retained intron. Not counted in ClinVar's aggregate classification.

Dr. Peter K. Rogan Lab, Western University
No classification provided (evidence only). Condition: Adrenocortical carcinoma, hereditary. Review status: no classification provided. Collection method: in vitro. Allele origin: not applicable. Functional consequence: skipped exon, retained intron. Not counted in ClinVar's aggregate classification.

Dr. Peter K. Rogan Lab, Western University
No classification provided (evidence only). Condition: Malignant tumor of esophagus. Review status: no classification provided. Collection method: in vitro. Allele origin: not applicable. Functional consequence: retained intron. Not counted in ClinVar's aggregate classification.

Dr. Peter K. Rogan Lab, Western University
No classification provided (evidence only). Condition: Ovarian cancer. Review status: no classification provided. Collection method: in vitro. Allele origin: not applicable. Functional consequence: skipped exon, retained intron. Not counted in ClinVar's aggregate classification.

Genetic Services Laboratory, University of Chicago
Classification: Likely benign. Review status: no assertion criteria provided. Collection method: clinical testing. Allele origin: germline. Inheritance: Autosomal dominant inheritance. Not counted in ClinVar's aggregate classification.
Comment: Likely benign based on allele frequency in 1000 Genomes Project or ESP global frequency and its presence in a patient with a rare or unrelated disease phenotype. NOT Sanger confirmed

Genome Diagnostics Laboratory, University Medical Center Utrecht
Classification: Benign. Review status: no assertion criteria provided. Collection method: clinical testing. Allele origin: germline. Affected: yes. Study: VKGL Data-share Consensus. Not counted in ClinVar's aggregate classification.

Laboratory of Diagnostic Genome Analysis, Leiden University Medical Center (LUMC)
Classification: Likely benign. Review status: no assertion criteria provided. Collection method: clinical testing. Allele origin: germline. Affected: yes. Study: VKGL Data-share Consensus. Not counted in ClinVar's aggregate classification.

NM_032119.4(ADGRV1):c.18475A>G (p.Met6159Val)

Gene: ADGRV1 (adhesion G protein-coupled receptor V1; plus strand). Cytogenetic location: 5q14.3.
Variant type: single nucleotide variant.
Coding change: c.18475A>G on transcript NM_032119.4 (MANE Select); coding-DNA position 18475, A replaced by G.
Protein change: p.Met6159Val; replaces methionine 6159 with valine.
Molecular consequence: missense variant. On other transcripts: non-coding transcript variant (1).
Genome position (GRCh38, 1-based): chr5:91,150,072, A>G. VCF-style: chr5-91150072-A-G. GRCh37 (hg19) VCF-style: chr5-90445889-A-G.
Other names: short protein forms M6159V.
Identifiers: ClinVar variation 46298 (VCV000046298.36), dbSNP rs77469944, ClinGen allele CA138079.